The following is an entry in ClinVar:

NM_004714.3(DYRK1B):c.863C>T (p.Thr288Ile)

Gene: DYRK1B (dual specificity tyrosine phosphorylation regulated kinase 1B; minus strand). Cytogenetic location: 19q13.2.
Variant type: single nucleotide variant.
Coding change: c.863C>T on transcript NM_004714.3 (MANE Select); coding-DNA position 863, C replaced by T.
Protein change: p.Thr288Ile; replaces threonine 288 with isoleucine.
Molecular consequence: missense variant.
Genome position (GRCh38, 1-based): chr19:39,827,601, G>A on the plus strand (C>T on the coding strand, the complement: DYRK1B is on the minus strand). VCF-style: chr19-39827601-G-A. GRCh37 (hg19) VCF-style: chr19-40318241-G-A.
Other names: c.863C>T, p.Thr288Ile (NM_006483.3, NM_006484.3); short protein forms T288I.
Identifiers: ClinVar variation 3345068 (VCV003345068.1).

ClinVar aggregate classification (germline): Uncertain significance (0 of 4 stars; one submission).

Conditions:
DYRK1B-related disorder. Also called: DYRK1B-related condition.

gnomAD v4.1: 3 of 1,614,130 alleles (0.00019%); highest among the groups gnomAD compares: East Asian, 0.0045%; no homozygotes.

Submission:

PreventionGenetics, part of Exact Sciences
Classification: Uncertain significance for DYRK1B-related condition. Last evaluated: 2024-05-20. Review status: no assertion criteria provided. Collection method: clinical testing. Allele origin: germline.
Comment: The DYRK1B c.863C>T variant is predicted to result in the amino acid substitution p.Thr288Ile. To our knowledge, this variant has not been reported in the literature. This variant is reported in 0.011% of alleles in individuals of East Asian descent in gnomAD. At this time, the clinical significance of this variant is uncertain due to the absence of conclusive functional and genetic evidence.